The following is an entry in ClinVar:

ClinVar aggregate classification (germline): Uncertain significance (1 of 4 stars; one submission).

Allele frequency attached by ClinVar (database versions not stated): gnomAD exomes below 0.00001.
gnomAD v4.1: 2 of 1,614,194 alleles (0.00012%); highest among the groups gnomAD compares: Non-Finnish European, 0.000085%; no homozygotes.

Submission:

Labcorp Genetics (formerly Invitae), Labcorp
Classification: Uncertain significance. Last evaluated: 2025-04-17. Review status: criteria provided, single submitter. Criteria: Invitae Variant Classification Sherloc (09022015). Collection method: clinical testing. Allele origin: germline.
Comment: This sequence change replaces glycine, which is neutral and non-polar, with cysteine, which is neutral and slightly polar, at codon 934 of the MERTK protein (p.Gly934Cys). This variant is not present in population databases (gnomAD no frequency). This variant has not been reported in the literature in individuals affected with MERTK-related conditions. ClinVar contains an entry for this variant (Variation ID: 1471849). Invitae Evidence Modeling of protein sequence and biophysical properties (such as structural, functional, and spatial information, amino acid conservation, physicochemical variation, residue mobility, and thermodynamic stability) has been performed for this missense variant. However, the output from this modeling did not meet the statistical confidence thresholds required to predict the impact of this variant on MERTK protein function. In summary, the available evidence is currently insufficient to determine the role of this variant in disease. Therefore, it has been classified as a Variant of Uncertain Significance.

NM_006343.3(MERTK):c.2800G>T (p.Gly934Cys)

Gene: MERTK (MER proto-oncogene, tyrosine kinase; plus strand). Cytogenetic location: 2q13.
Variant type: single nucleotide variant.
Coding change: c.2800G>T on transcript NM_006343.3 (MANE Select); coding-DNA position 2800, G replaced by T.
Protein change: p.Gly934Cys; replaces glycine 934 with cysteine.
Molecular consequence: missense variant.
Genome position (GRCh38, 1-based): chr2:112,028,664, G>T. VCF-style: chr2-112028664-G-T. GRCh37 (hg19) VCF-style: chr2-112786241-G-T.
Other names: short protein forms G934C.
Identifiers: ClinVar variation 1471849 (VCV001471849.6), dbSNP rs2104430065, ClinGen allele CA348244149.